The following is an entry in ClinVar:

ClinVar aggregate classification (germline): Conflicting classifications of pathogenicity. Review status: criteria provided, conflicting classifications (1 of 4 stars). 4 submissions from 4 submitters: Pathogenic (3); Uncertain significance (1). Last evaluated 2025-05-12.

Conditions:
Inborn genetic diseases. Identifiers: MedGen C0950123, MeSH D030342.

Submissions (4):

Ambry Genetics
Classification: Pathogenic for Inborn genetic diseases. Last evaluated: 2025-05-12. Review status: criteria provided, single submitter. Criteria: Ambry Variant Classification Scheme 2023. Collection method: clinical testing. Allele origin: germline.
Comment: The c.641T>C (p.L214P) alteration is located in exon 4 (coding exon 4) of the DEAF1 gene. This alteration results from a T to C substitution at nucleotide position 641, causing the leucine (L) at amino acid position 214 to be replaced by a proline (P). for autosomal dominant Vulto-van Silfout-de Vries syndrome; however, its clinical significance for autosomal recessive DEAF1-related neurodevelopmental disorder is uncertain. This variant was not reported in population-based cohorts in the Genome Aggregation Database (gnomAD). This variant was determined to be de novo in at least one individual with features consistent with Vulto-van Silfout-de Vries syndrome (Nabais S&aacute;, 2019; external communication). This amino acid position is highly conserved in available vertebrate species. This alteration is predicted to be deleterious by in silico analysis. Based on the available evidence, this alteration is classified as pathogenic.

Labcorp Genetics (formerly Invitae), Labcorp
Classification: Pathogenic. Last evaluated: 2024-10-22. Review status: criteria provided, single submitter. Criteria: Invitae Variant Classification Sherloc (09022015). Collection method: clinical testing. Allele origin: germline.
Comment: This sequence change replaces leucine, which is neutral and non-polar, with proline, which is neutral and non-polar, at codon 214 of the DEAF1 protein (p.Leu214Pro). This variant is not present in population databases (gnomAD no frequency). This missense change has been observed in individual(s) with clinical features of autosomal dominant DEAF1-related conditions (PMID: 30923367). In at least one individual the variant was observed to be de novo. ClinVar contains an entry for this variant (Variation ID: 806590). Invitae Evidence Modeling of protein sequence and biophysical properties (such as structural, functional, and spatial information, amino acid conservation, physicochemical variation, residue mobility, and thermodynamic stability) indicates that this missense variant is expected to disrupt DEAF1 protein function with a positive predictive value of 95%. For these reasons, this variant has been classified as Pathogenic.

GeneDx
Classification: Pathogenic. Last evaluated: 2024-02-20. Review status: criteria provided, single submitter. Criteria: GeneDx Variant Classification Process June 2021. Collection method: clinical testing. Allele origin: germline. Affected: yes.
Comment: Not observed at significant frequency in large population cohorts (gnomAD); In silico analysis supports that this missense variant has a deleterious effect on protein structure/function; This variant is associated with the following publications: (PMID: 30923367, 35032046)

CeGaT Center for Human Genetics Tuebingen
Classification: Uncertain significance. Last evaluated: 2017-03-01. Review status: criteria provided, single submitter. Criteria: CeGaT Center For Human Genetics Tuebingen Variant Classification Criteria Version 2. Collection method: clinical testing. Allele origin: germline. Affected: yes. Observed: 1 variant allele.

Literature cited by the submitters: PubMed 30923367 (cited by Ambry Genetics and Labcorp Genetics (formerly Invitae), Labcorp).

NM_021008.4(DEAF1):c.641T>C (p.Leu214Pro)

Gene: DEAF1 (DEAF1 transcription factor; minus strand). Cytogenetic location: 11p15.5.
Variant type: single nucleotide variant.
Coding change: c.641T>C on transcript NM_021008.4 (MANE Select); coding-DNA position 641, T replaced by C.
Protein change: p.Leu214Pro; replaces leucine 214 with proline.
Molecular consequence: missense variant. On other transcripts: 5 prime UTR variant (1).
Genome position (GRCh38, 1-based): chr11:687,934, A>G on the plus strand (T>C on the coding strand, the complement: DEAF1 is on the minus strand). VCF-style: chr11-687934-A-G. GRCh37 (hg19) VCF-style: chr11-687934-A-G.
Other names: c.641T>C, p.Leu214Pro (NM_001293634.2); c.-86T>C (NM_001367390.1); short protein forms L214P.
Identifiers: ClinVar variation 806590 (VCV000806590.48), dbSNP rs1590017658, ClinGen allele CA378933391.